The following is an entry in ClinVar:

ClinVar aggregate classification (germline): Uncertain significance. Review status: criteria provided, multiple submitters, no conflicts (2 of 4 stars). 2 submissions from 2 submitters: Uncertain significance (2). Last evaluated 2025-12-06.

Conditions:
Developmental and epileptic encephalopathy, 69. Also called: EPILEPTIC ENCEPHALOPATHY, EARLY INFANTILE, 69. Identifiers: MedGen C4748988, MONDO:0032657, OMIM 618285.

Submissions (2):

3billion
Classification: Uncertain significance for Developmental and epileptic encephalopathy, 69. Last evaluated: 2025-12-06. Review status: criteria provided, single submitter. Criteria: ACMG Guidelines, 2015. Collection method: clinical testing. Allele origin: germline. Affected: yes.
Comment: The variant is not observed in the gnomAD v4.1.0 dataset. Predicted Consequence/Location: Missense variant In silico tool predictions suggest damaging effect of the variant on gene or gene product [REVEL: 0.79 (>=0.6, sensitivity 0.68 and specificity 0.92); 3Cnet: 0.99 (> 0.75, sensitivity 0.96 and precision 0.92)]. A different missense change at the same codon (p.Lys1314Gln) has been reported to be associated with CACNA1E-related disorder (ClinVar ID: VCV001685598). However the evidence of pathogenicity is insufficient at this time. Therefore, this variant is classified as VUS according to the recommendation of ACMG/AMP guideline.

Labcorp Genetics (formerly Invitae), Labcorp
Classification: Uncertain significance. Last evaluated: 2025-01-27. Review status: criteria provided, single submitter. Criteria: Invitae Variant Classification Sherloc (09022015). Collection method: clinical testing. Allele origin: germline.
Comment: This sequence change replaces lysine, which is basic and polar, with arginine, which is basic and polar, at codon 1314 of the CACNA1E protein (p.Lys1314Arg). This variant is not present in population databases (gnomAD no frequency). This variant has not been reported in the literature in individuals affected with CACNA1E-related conditions. Invitae Evidence Modeling of protein sequence and biophysical properties (such as structural, functional, and spatial information, amino acid conservation, physicochemical variation, residue mobility, and thermodynamic stability) has been performed for this missense variant. However, the output from this modeling did not meet the statistical confidence thresholds required to predict the impact of this variant on CACNA1E protein function. In summary, the available evidence is currently insufficient to determine the role of this variant in disease. Therefore, it has been classified as a Variant of Uncertain Significance.

NM_001205293.3(CACNA1E):c.3941A>G (p.Lys1314Arg)

Gene: CACNA1E (calcium voltage-gated channel subunit alpha1 E; plus strand). Cytogenetic location: 1q25.3.
Variant type: single nucleotide variant.
Coding change: c.3941A>G on transcript NM_001205293.3 (MANE Select); coding-DNA position 3941, A replaced by G.
Protein change: p.Lys1314Arg; replaces lysine 1314 with arginine.
Molecular consequence: missense variant.
Genome position (GRCh38, 1-based): chr1:181,755,349, A>G. VCF-style: chr1-181755349-A-G. GRCh37 (hg19) VCF-style: chr1-181724485-A-G.
Other names: c.3941A>G, p.Lys1314Arg (NM_000721.4); c.3884A>G, p.Lys1295Arg (NM_001205294.2); short protein forms K1295R, K1314R.
Identifiers: ClinVar variation 3633678 (VCV003633678.3).